The following is an entry in ClinVar:

NM_000051.4(ATM):c.1899-16T>A

Gene: ATM (ATM serine/threonine kinase; plus strand). Cytogenetic location: 11q22.3.
Variant type: single nucleotide variant.
Coding change: c.1899-16T>A on transcript NM_000051.4 (MANE Select); 16 bases into the intron before coding-DNA position 1899, T replaced by A.
Molecular consequence: intron variant.
Genome position (GRCh38, 1-based): chr11:108,253,798, T>A. VCF-style: chr11-108253798-T-A. GRCh37 (hg19) VCF-style: chr11-108124525-T-A.
Other names: c.1899-16T>A (NM_001351834.2).
Identifiers: ClinVar variation 490445 (VCV000490445.14), dbSNP rs1352009139, ClinGen allele CA601695853.

ClinVar aggregate classification (germline): Conflicting classifications of pathogenicity. Review status: criteria provided, conflicting classifications (1 of 4 stars). 3 submissions from 3 submitters: Uncertain significance (1); Likely benign (2). Last evaluated 2025-04-23.

Conditions:
Hereditary cancer-predisposing syndrome. Also called: Tumor predisposition; Neoplastic Syndromes, Hereditary; Hereditary Cancer Syndrome; Hereditary neoplastic syndrome. Identifiers: Orphanet 140162, MedGen C0027672, MeSH D009386, MONDO:0015356.
Ataxia-telangiectasia syndrome (AT). Also called: Ataxia-telangiectasia; Ataxia-telangiectasia, complementation group D; AT, COMPLEMENTATION GROUP C; LOUIS-BAR SYNDROME; Cerebello-oculocutaneous telangiectasia; Immunodeficiency with ataxia telangiectasia. Identifiers: Orphanet 100, MedGen C0004135, MONDO:0008840, OMIM 208900.

Allele frequency attached by ClinVar (database versions not stated): gnomAD exomes below 0.00001 and 0.00001.
gnomAD v4.1: 11 of 1,597,220 alleles (0.00069%); highest among the groups gnomAD compares: Non-Finnish European, 0.00094%; no homozygotes.

Submissions (3):

Labcorp Genetics (formerly Invitae), Labcorp
Classification: Likely benign for Ataxia-telangiectasia syndrome. Last evaluated: 2025-04-23. Review status: criteria provided, single submitter. Criteria: Invitae Variant Classification Sherloc (09022015). Collection method: clinical testing. Allele origin: germline.

GeneDx
Classification: Uncertain significance. Last evaluated: 2019-09-10. Review status: criteria provided, single submitter. Criteria: GeneDx Variant Classification Process June 2021. Collection method: clinical testing. Allele origin: germline. Affected: yes.
Comment: Not observed at a significant frequency in large population cohorts (Lek et al., 2016); In-silico analysis, which includes splice predictors and evolutionary conservation, is inconclusive as to whether the variant alters gene splicing. In the absence of RNA/functional studies, the actual effect of this sequence change is unknown.

Color Diagnostics, LLC DBA Color Health
Classification: Likely benign for Hereditary cancer-predisposing syndrome. Last evaluated: 2017-01-03. Review status: criteria provided, single submitter. Criteria: ACMG Guidelines, 2015. Collection method: clinical testing. Allele origin: germline.